The following is an entry in ClinVar:

NM_000287.4(PEX6):c.967A>G (p.Ile323Val)

Gene: PEX6 (peroxisomal biogenesis factor 6; minus strand). Cytogenetic location: 6p21.1.
Variant type: single nucleotide variant.
Coding change: c.967A>G on transcript NM_000287.4 (MANE Select); coding-DNA position 967, A replaced by G.
Protein change: p.Ile323Val; replaces isoleucine 323 with valine.
Molecular consequence: missense variant. On other transcripts: non-coding transcript variant (1).
Genome position (GRCh38, 1-based): chr6:42,974,954, T>C on the plus strand (A>G on the coding strand, the complement: PEX6 is on the minus strand). VCF-style: chr6-42974954-T-C. GRCh37 (hg19) VCF-style: chr6-42942692-T-C.
Other names: c.703A>G, p.Ile235Val (NM_001316313.2); short protein forms I235V, I323V.
Identifiers: ClinVar variation 2144662 (VCV002144662.4), dbSNP rs778337938, ClinGen allele CA3811501.

ClinVar aggregate classification (germline): Uncertain significance. Review status: criteria provided, multiple submitters, no conflicts (2 of 4 stars). 2 submissions from 2 submitters: Uncertain significance (2). Last evaluated 2025-11-26.

Conditions:
Peroxisome biogenesis disorder. Identifiers: Orphanet 79189, MedGen C1832200, MONDO:0019234. Disease mechanism: loss of function.

Allele frequency attached by ClinVar (database versions not stated): gnomAD exomes below 0.00001; TOPMed below 0.00001; ExAC 0.00001.
gnomAD v4.1: 6 of 1,613,964 alleles (0.00037%); highest among the groups gnomAD compares: South Asian, 0.0044%; no homozygotes.

Submissions (2):

Dasa
Classification: Uncertain significance. Last evaluated: 2025-11-26. Review status: criteria provided, single submitter. Criteria: DASA Assertion Criteria. Collection method: clinical testing. Allele origin: germline.
Comment: NM_000287.4(PEX6):c.967A>G (p.Ile323Val) is a missense variant that results in the substitution of isoleucine with valine. This variant is rare in population databases. Computational prediction algorithms are consistent with a benign effect. The currently available literature and clinical evidence are not sufficient to establish a definitive association between this variant and the reported condition. Therefore, this variant is classified as a variant of uncertain significance.

Labcorp Genetics (formerly Invitae), Labcorp
Classification: Uncertain significance for Peroxisome biogenesis disorder. Last evaluated: 2023-03-08. Review status: criteria provided, single submitter. Criteria: Invitae Variant Classification Sherloc (09022015). Collection method: clinical testing. Allele origin: germline.
Comment: In summary, the available evidence is currently insufficient to determine the role of this variant in disease. Therefore, it has been classified as a Variant of Uncertain Significance. Advanced modeling of protein sequence and biophysical properties (such as structural, functional, and spatial information, amino acid conservation, physicochemical variation, residue mobility, and thermodynamic stability) performed at Invitae indicates that this missense variant is not expected to disrupt PEX6 protein function. ClinVar contains an entry for this variant (Variation ID: 2144662). This variant has not been reported in the literature in individuals affected with PEX6-related conditions. This variant is present in population databases (rs778337938, gnomAD 0.003%). This sequence change replaces isoleucine, which is neutral and non-polar, with valine, which is neutral and non-polar, at codon 323 of the PEX6 protein (p.Ile323Val).